The following is an entry in ClinVar:

ClinVar aggregate classification (germline): Likely benign (1 of 4 stars; one submission).

Submission:

CeGaT Center for Human Genetics Tuebingen
Classification: Likely benign. Last evaluated: 2026-07-01. Review status: criteria provided, single submitter. Criteria: CeGaT Center For Human Genetics Tuebingen Variant Classification Criteria Version 2. Collection method: clinical testing. Allele origin: germline. Affected: yes. Observed: 1 variant allele.
Comment: PLIN4: BP4

NM_001367868.2(PLIN4):c.848A>G (p.Lys283Arg)

Gene: PLIN4 (perilipin 4; minus strand). Cytogenetic location: 19p13.3.
Variant type: single nucleotide variant.
Coding change: c.848A>G on transcript NM_001367868.2 (MANE Select); coding-DNA position 848, A replaced by G.
Protein change: p.Lys283Arg; replaces lysine 283 with arginine.
Molecular consequence: missense variant.
Genome position (GRCh38, 1-based): chr19:4,513,112, T>C on the plus strand (A>G on the coding strand, the complement: PLIN4 is on the minus strand). VCF-style: chr19-4513112-T-C. GRCh37 (hg19) VCF-style: chr19-4513124-T-C.
Other names: c.851A>G, p.Lys284Arg (NM_001393888.1, NM_001393889.1); c.848A>G, p.Lys283Arg (NM_001393890.1, NM_001393891.1); short protein forms K283R, K284R.
Identifiers: ClinVar variation 5038597 (VCV005038597.1).